The following is an entry in ClinVar:

ClinVar aggregate classification (germline): Uncertain significance (1 of 4 stars; one submission).

Conditions:
Emery-Dreifuss muscular dystrophy 5, autosomal dominant (EDMD5). Also called: EMERY-DREIFUSS MUSCULAR DYSTROPHY 5. Identifiers: Orphanet 261, MedGen C2751805, MONDO:0013072, OMIM 612999.

Allele frequency attached by ClinVar (database versions not stated): TOPMed below 0.00001; gnomAD 0.00001; gnomAD exomes 0.00001; ExAC 0.00002; ESP Exome Variant Server 0.00008.
gnomAD v4.1: 12 of 1,614,094 alleles (0.00074%); highest among the groups gnomAD compares: Non-Finnish European, 0.001%; no homozygotes.

Submission:

Labcorp Genetics (formerly Invitae), Labcorp
Classification: Uncertain significance for Emery-Dreifuss muscular dystrophy 5, autosomal dominant. Last evaluated: 2022-08-23. Review status: criteria provided, single submitter. Criteria: Invitae Variant Classification Sherloc (09022015). Collection method: clinical testing. Allele origin: germline.
Comment: In summary, the available evidence is currently insufficient to determine the role of this variant in disease. Therefore, it has been classified as a Variant of Uncertain Significance. Algorithms developed to predict the effect of missense changes on protein structure and function are either unavailable or do not agree on the potential impact of this missense change (SIFT: "Deleterious"; PolyPhen-2: "Probably Damaging"; Align-GVGD: "Class C0"). ClinVar contains an entry for this variant (Variation ID: 1038525). This variant has not been reported in the literature in individuals affected with SYNE2-related conditions. This variant is present in population databases (rs144627020, gnomAD 0.003%). This sequence change replaces aspartic acid, which is acidic and polar, with histidine, which is basic and polar, at codon 6318 of the SYNE2 protein (p.Asp6318His).

NM_182914.3(SYNE2):c.18952G>C (p.Asp6318His)

Gene: SYNE2 (spectrin repeat containing nuclear envelope protein 2; plus strand). Cytogenetic location: 14q23.2.
Variant type: single nucleotide variant.
Coding change: c.18952G>C on transcript NM_182914.3 (MANE Select); coding-DNA position 18952, G replaced by C.
Protein change: p.Asp6318His; replaces aspartic acid 6318 with histidine.
Molecular consequence: missense variant.
Genome position (GRCh38, 1-based): chr14:64,212,901, G>C. VCF-style: chr14-64212901-G-C. GRCh37 (hg19) VCF-style: chr14-64679619-G-C.
Other names: c.18952G>C, p.Asp6318His (NM_015180.6); short protein forms D6318H.
Identifiers: ClinVar variation 1038525 (VCV001038525.8), dbSNP rs144627020, ClinGen allele CA7224270.